The following is an entry in ClinVar:

NM_173660.5(DOK7):c.1306G>C (p.Gly436Arg)

Gene: DOK7 (docking protein 7; plus strand). Cytogenetic location: 4p16.3.
Variant type: single nucleotide variant.
Coding change: c.1306G>C on transcript NM_173660.5 (MANE Select); coding-DNA position 1306, G replaced by C.
Protein change: p.Gly436Arg; replaces glycine 436 with arginine.
Molecular consequence: missense variant. On other transcripts: 3 prime UTR variant (1).
Genome position (GRCh38, 1-based): chr4:3,493,292, G>C. VCF-style: chr4-3493292-G-C. GRCh37 (hg19) VCF-style: chr4-3495019-G-C.
Other names: c.*527G>C (NM_001164673.2); c.376G>C, p.Gly126Arg (NM_001256896.2); c.1306G>C, p.Gly436Arg (NM_001301071.2); c.874G>C, p.Gly292Arg (NM_001363811.2); short protein forms G436R, G126R, G292R.
Identifiers: ClinVar variation 568825 (VCV000568825.7), dbSNP rs201392182, ClinGen allele CA2829457.

ClinVar aggregate classification (germline): Uncertain significance. Review status: criteria provided, multiple submitters, no conflicts (2 of 4 stars). 3 submissions from 3 submitters: Uncertain significance (3). Last evaluated 2025-08-12.

Conditions:
Fetal akinesia deformation sequence 1 (FADS1). Also called: Pena-Shokeir syndrome type I; Fetal akinesia sequence. Identifiers: Orphanet 994, MedGen C1276035, MONDO:0100101, OMIM 208150, HP:0001989.
Congenital myasthenic syndrome 10. Also called: Myasthenia, limb-girdle, familial. Identifiers: Orphanet 590, MedGen C1850792, MONDO:0009690, OMIM 254300.
Inborn genetic diseases. Identifiers: MedGen C0950123, MeSH D030342.

Allele frequency attached by ClinVar (database versions not stated): TOPMed 0.00015; 1000 Genomes Project 30x 0.00016; 1000 Genomes Project 0.00020.
gnomAD v4.1: 265 of 1,608,512 alleles (0.016%); highest among the groups gnomAD compares: Non-Finnish European, 0.021%; 1 homozygote.

Submissions (3):

Ambry Genetics
Classification: Uncertain significance for Inborn genetic diseases. Last evaluated: 2025-08-12. Review status: criteria provided, single submitter. Criteria: Ambry Variant Classification Scheme 2023. Collection method: clinical testing. Allele origin: germline.

Revvity Omics, Revvity
Classification: Uncertain significance. Last evaluated: 2024-02-09. Review status: criteria provided, single submitter. Criteria: ACMG Guidelines, 2015. Collection method: clinical testing. Allele origin: germline.

Labcorp Genetics (formerly Invitae), Labcorp
Classification: Uncertain significance for Congenital myasthenic syndrome 10; Fetal akinesia deformation sequence 1. Last evaluated: 2022-06-20. Review status: criteria provided, single submitter. Criteria: Invitae Variant Classification Sherloc (09022015). Collection method: clinical testing. Allele origin: germline.
Comment: This sequence change replaces glycine, which is neutral and non-polar, with arginine, which is basic and polar, at codon 436 of the DOK7 protein (p.Gly436Arg). This variant is present in population databases (rs201392182, gnomAD 0.03%). This variant has not been reported in the literature in individuals affected with DOK7-related conditions. ClinVar contains an entry for this variant (Variation ID: 568825). Algorithms developed to predict the effect of missense changes on protein structure and function are either unavailable or do not agree on the potential impact of this missense change (SIFT: "Tolerated"; PolyPhen-2: "Possibly Damaging"; Align-GVGD: "Class C0"). In summary, the available evidence is currently insufficient to determine the role of this variant in disease. Therefore, it has been classified as a Variant of Uncertain Significance.